The following is an entry in ClinVar:

ClinVar aggregate classification (germline): Uncertain significance (1 of 4 stars; one submission).

Allele frequency attached by ClinVar (database versions not stated): gnomAD exomes below 0.00001; TOPMed 0.00001.
gnomAD v4.1: 3 of 1,612,014 alleles (0.00019%); highest among the groups gnomAD compares: Non-Finnish European, 0.00025%; no homozygotes.

Submission:

Labcorp Genetics (formerly Invitae), Labcorp
Classification: Uncertain significance. Last evaluated: 2022-10-26. Review status: criteria provided, single submitter. Criteria: Invitae Variant Classification Sherloc (09022015). Collection method: clinical testing. Allele origin: germline.
Comment: This sequence change replaces valine, which is neutral and non-polar, with alanine, which is neutral and non-polar, at codon 412 of the MYLK3 protein (p.Val412Ala). In summary, the available evidence is currently insufficient to determine the role of this variant in disease. Therefore, it has been classified as a Variant of Uncertain Significance. Algorithms developed to predict the effect of missense changes on protein structure and function output the following: SIFT: "Tolerated"; PolyPhen-2: "Benign"; Align-GVGD: "Class C0". The alanine amino acid residue is found in multiple mammalian species, which suggests that this missense change does not adversely affect protein function. This variant has not been reported in the literature in individuals affected with MYLK3-related conditions. This variant is present in population databases (no rsID available, gnomAD 0.0009%).

NM_182493.3(MYLK3):c.1235T>C (p.Val412Ala)

Gene: MYLK3 (myosin light chain kinase 3; minus strand). Cytogenetic location: 16q11.2.
Variant type: single nucleotide variant.
Coding change: c.1235T>C on transcript NM_182493.3 (MANE Select); coding-DNA position 1235, T replaced by C.
Protein change: p.Val412Ala; replaces valine 412 with alanine.
Molecular consequence: missense variant.
Genome position (GRCh38, 1-based): chr16:46,732,435, A>G on the plus strand (T>C on the coding strand, the complement: MYLK3 is on the minus strand). VCF-style: chr16-46732435-A-G. GRCh37 (hg19) VCF-style: chr16-46766347-A-G.
Other names: c.212T>C, p.Val71Ala (NM_001308301.1); short protein forms V412A, V71A.
Identifiers: ClinVar variation 2036850 (VCV002036850.4), dbSNP rs1453956057, ClinGen allele CA395792518.